The following is an entry in ClinVar:

ClinVar aggregate classification (germline): Likely benign. Review status: criteria provided, multiple submitters, no conflicts (2 of 4 stars). 3 submissions from 3 submitters: Likely benign (2). 1 of the submissions does not count toward it. Last evaluated 2024-01-18.

Conditions:
MYO7A-related disorder. Also called: MYO7A-related disorders.

Allele frequency attached by ClinVar (database versions not stated): TOPMed below 0.00001; ExAC 0.00001; gnomAD 0.00001; gnomAD exomes 0.00001.
gnomAD v4.1: 10 of 1,613,100 alleles (0.00062%); highest among the groups gnomAD compares: Non-Finnish European, 0.00085%; no homozygotes.

Submissions (3):

Blueprint Genetics
Classification: Likely benign. Last evaluated: 2024-01-18. Review status: criteria provided, single submitter. Criteria: ACMG Guidelines, 2015. Collection method: clinical testing. Allele origin: germline.

Labcorp Genetics (formerly Invitae), Labcorp
Classification: Likely benign. Last evaluated: 2023-12-30. Review status: criteria provided, single submitter. Criteria: Invitae Variant Classification Sherloc (09022015). Collection method: clinical testing. Allele origin: germline.

PreventionGenetics, part of Exact Sciences
Classification: Likely benign for MYO7A-related condition. Last evaluated: 2021-11-11. Review status: no assertion criteria provided. Collection method: clinical testing. Allele origin: germline. Not counted in ClinVar's aggregate classification.
Comment: This variant is classified as likely benign based on ACMG/AMP sequence variant interpretation guidelines (Richards et al. 2015 PMID: 25741868, with internal and published modifications).

NM_000260.4(MYO7A):c.3138C>T (p.Leu1046=)

Gene: MYO7A (myosin VIIA; plus strand). Cytogenetic location: 11q13.5.
Variant type: single nucleotide variant.
Coding change: c.3138C>T on transcript NM_000260.4 (MANE Select); coding-DNA position 3138, C replaced by T.
Protein change: p.Leu1046=; no amino-acid change (leucine 1046 retained).
Molecular consequence: synonymous variant.
Genome position (GRCh38, 1-based): chr11:77,182,453, C>T. VCF-style: chr11-77182453-C-T. GRCh37 (hg19) VCF-style: chr11-76893498-C-T.
Other names: c.3138C>T (NM_000260.3); c.3138C>T, p.Leu1046= (NM_001127180.2); c.3105C>T, p.Leu1035= (NM_001369365.1).
Identifiers: ClinVar variation 2907278 (VCV002907278.6), dbSNP rs781946703, ClinGen allele CA6197997.